The following is an entry in ClinVar:

ClinVar aggregate classification (germline): Likely benign (1 of 4 stars; one submission).

gnomAD v4.1: 893 of 1,601,780 alleles (0.056%); highest among the groups gnomAD compares: Non-Finnish European, 0.067%; 3 homozygotes.

Submission:

CeGaT Center for Human Genetics Tuebingen
Classification: Likely benign. Last evaluated: 2026-05-01. Review status: criteria provided, single submitter. Criteria: CeGaT Center For Human Genetics Tuebingen Variant Classification Criteria Version 2. Collection method: clinical testing. Allele origin: germline. Affected: yes. Observed: 1 variant allele.
Comment: ADGRL1: BP4

NM_014921.5(ADGRL1):c.4137C>G (p.Leu1379=)

Genes: ADGRL1 (adhesion G protein-coupled receptor L1; minus strand), ADGRL1-AS1 (ADGRL1 antisense RNA 1; plus strand). Cytogenetic location: 19p13.12.
Variant type: single nucleotide variant.
Coding change: c.4137C>G on transcript NM_014921.5 (MANE Select); coding-DNA position 4137, C replaced by G.
Protein change: p.Leu1379=; no amino-acid change (leucine 1379 retained).
Molecular consequence: synonymous variant.
Genome position (GRCh38, 1-based): chr19:14,151,146, G>C on the plus strand (C>G on the coding strand, the complement: ADGRL1 is on the minus strand). VCF-style: chr19-14151146-G-C. GRCh37 (hg19) VCF-style: chr19-14261958-G-C.
Other names: c.4152C>G, p.Leu1384= (NM_001008701.3).
Identifiers: ClinVar variation 4872389 (VCV004872389.2).